The following is an entry in ClinVar:

NM_001378615.1(CC2D2A):c.2804G>A (p.Arg935Gln)

Genes: CC2D2A (coiled-coil and C2 domain containing 2A; plus strand), FBXL5 (F-box and leucine rich repeat protein 5; minus strand). Cytogenetic location: 4p15.32.
Variant type: single nucleotide variant.
Coding change: c.2804G>A on transcript NM_001378615.1 (MANE Select); coding-DNA position 2804, G replaced by A.
Protein change: p.Arg935Gln; replaces arginine 935 with glutamine.
Molecular consequence: missense variant.
Genome position (GRCh38, 1-based): chr4:15,557,482, G>A. VCF-style: chr4-15557482-G-A. GRCh37 (hg19) VCF-style: chr4-15559105-G-A.
Other names: p.Arg935Gln; c.2804G>A, p.Arg935Gln (NM_001080522.2); c.2657G>A, p.Arg886Gln (NM_001378617.1); short protein forms R935Q, R886Q.
Identifiers: ClinVar variation 126234 (VCV000126234.30), dbSNP rs187003641, ClinGen allele CA150861.
Genomic context (GRCh38, chr4:15,557,482, plus strand): 5'-ATCTTAGAAGCCAAGAGGTGCCAGAATTCCGAAATTATAAGCAAGTTCCAGTCTATGACC[G>A]AGAAATTATGGAAAAGGTATTCCAGGTAAGAAACTGCCATAGAGGGGTTAATAAAATAAT-3'
Protein context (NP_001365544.1, residues 925-945): RNYKQVPVYD[Arg935Gln]EIMEKVFQDY

ClinVar aggregate classification (germline): Conflicting classifications of pathogenicity. Review status: criteria provided, conflicting classifications (1 of 4 stars). 10 submissions from 9 submitters: Uncertain significance (4); Likely benign (5). 1 of the submissions does not count toward it. Last evaluated 2026-01-26.

Conditions:
Meckel-Gruber syndrome. Also called: DYSENCEPHALIA SPLANCHNOCYSTICA; GRUBER SYNDROME; Dysencephalia splachnocystica. Identifiers: Orphanet 564, MedGen C0265215, MONDO:0018921.
Joubert syndrome. Also called: Familial aplasia of the vermis; JOUBERT-BOLTSHAUSER SYNDROME. Identifiers: Orphanet 475, MedGen C5979921, MONDO:0018772.
COACH syndrome 1. Identifiers: Orphanet 1454, MedGen C5435651, MONDO:0800103, OMIM 216360, MONDO:0008996.
Meckel syndrome, type 6. Identifiers: Orphanet 564, MedGen C2676790, MONDO:0012848, OMIM 612284.
Joubert syndrome 9 (JBTS9). Identifiers: Orphanet 2318, MedGen C2676788, MONDO:0012849, OMIM 612285.
CC2D2A-related disorder. Also called: CC2D2A-related condition; CC2D2A-related disorders. Identifiers: MedGen CN239313.

Allele frequency attached by ClinVar (database versions not stated): gnomAD exomes 0.00018 and 0.00057; ExAC 0.00025; TOPMed 0.00065; 1000 Genomes Project 30x 0.00125; 1000 Genomes Project 0.00140; gnomAD 0.00142.
gnomAD v4.1: 470 of 1,607,652 alleles (0.029%); highest among the groups gnomAD compares: Admixed American, 0.68%; 10 homozygotes.

Submissions (10):

Labcorp Genetics (formerly Invitae), Labcorp
Classification: Likely benign for Joubert syndrome; Meckel-Gruber syndrome. Last evaluated: 2026-01-26. Review status: criteria provided, single submitter. Criteria: Invitae Variant Classification Sherloc (09022015). Collection method: clinical testing. Allele origin: germline.

Mayo Clinic Laboratories, Mayo Clinic
Classification: Likely benign. Last evaluated: 2024-11-12. Review status: criteria provided, single submitter. Criteria: ACMG Guidelines, 2015. Collection method: clinical testing. Allele origin: germline. Observed: 3 variant alleles.
Comment: BS1

Blueprint Genetics
Classification: Likely benign. Last evaluated: 2023-09-21. Review status: criteria provided, single submitter. Criteria: ACMG Guidelines, 2015. Collection method: clinical testing. Allele origin: germline.

GeneDx
Classification: Likely benign. Last evaluated: 2020-09-10. Review status: criteria provided, single submitter. Criteria: GeneDx Variant Classification Process June 2021. Collection method: clinical testing. Allele origin: germline. Affected: yes.

Illumina Laboratory Services, Illumina
Classification: Uncertain significance for Joubert syndrome 9. Last evaluated: 2018-01-13. Review status: criteria provided, single submitter. Criteria: ICSL Variant Classification Criteria 13 December 2019. Collection method: clinical testing. Allele origin: germline.

Illumina Laboratory Services, Illumina
Classification: Uncertain significance for Meckel syndrome, type 6. Last evaluated: 2018-01-13. Review status: criteria provided, single submitter. Criteria: ICSL Variant Classification Criteria 13 December 2019. Collection method: clinical testing. Allele origin: germline.

Fulgent Genetics
Classification: Uncertain significance for COACH syndrome 1; Meckel syndrome, type 6; Joubert syndrome 9. Last evaluated: 2017-05-23. Review status: criteria provided, single submitter. Criteria: ACMG Guidelines, 2015. Collection method: clinical testing. Allele origin: unknown.

Eurofins Ntd Llc (ga)
Classification: Likely benign. Last evaluated: 2017-01-10. Review status: criteria provided, single submitter. Criteria: EGL Classification Definitions 2015. Collection method: clinical testing. Allele origin: germline. Observed: 3 variant alleles, 3 heterozygotes.

Genetic Services Laboratory, University of Chicago
Classification: Uncertain significance for Meckel Gruber syndrome. Last evaluated: 2013-08-07. Review status: criteria provided, single submitter. Criteria: ACMG Guidelines, 2007. Collection method: clinical testing. Allele origin: germline. Inheritance: Autosomal recessive inheritance. Observed: 1 variant allele.

PreventionGenetics, part of Exact Sciences
Classification: Likely benign for CC2D2A-related condition. Last evaluated: 2022-01-31. Review status: no assertion criteria provided. Collection method: clinical testing. Allele origin: germline. Not counted in ClinVar's aggregate classification.
Comment: This variant is classified as likely benign based on ACMG/AMP sequence variant interpretation guidelines (Richards et al. 2015 PMID: 25741868, with internal and published modifications).